The following is an entry in ClinVar:

NM_001098.3(ACO2):c.1032+17C>G

Gene: ACO2 (aconitase 2; plus strand). Cytogenetic location: 22q13.2.
Variant type: single nucleotide variant.
Coding change: c.1032+17C>G on transcript NM_001098.3 (MANE Select); 17 bases into the intron after coding-DNA position 1032, C replaced by G.
Molecular consequence: intron variant.
Genome position (GRCh38, 1-based): chr22:41,518,589, C>G. VCF-style: chr22-41518589-C-G. GRCh37 (hg19) VCF-style: chr22-41914593-C-G.
Identifiers: ClinVar variation 388351 (VCV000388351.2), dbSNP rs203319, ClinGen allele CA16608187.
Genomic context (GRCh38, chr22:41,518,589, plus strand): 5'-CTGGCTGCCATTATGACCAACTAATTGAAATTAACCTCAGTGAGGTGAGGAGACAATTAA[C>G]TGGGTTCAAGAAGTTTCTGAGAGTAGTGGGGAGCAGGGCGGGTCCTGCCTAAATACTCAC-3'

ClinVar aggregate classification (germline): Likely benign. Review status: criteria provided, multiple submitters, no conflicts (2 of 4 stars). 2 submissions from 2 submitters: Likely benign (2). Last evaluated 2025-10-01.

gnomAD v4.1: 4 of 1,597,934 alleles (0.00025%); highest among the groups gnomAD compares: South Asian, 0.0011%; no homozygotes.

Submissions (2):

Labcorp Genetics (formerly Invitae), Labcorp
Classification: Likely benign. Last evaluated: 2025-10-01. Review status: criteria provided, single submitter. Criteria: Invitae Variant Classification Sherloc (09022015). Collection method: clinical testing. Allele origin: germline.

GeneDx
Classification: Likely benign. Last evaluated: 2016-08-11. Review status: criteria provided, single submitter. Criteria: GeneDx Variant Classification (06012015). Collection method: clinical testing. Allele origin: germline. Affected: yes.
Comment: This variant is considered likely benign or benign based on one or more of the following criteria: it is a conservative change, it occurs at a poorly conserved position in the protein, it is predicted to be benign by multiple in silico algorithms, and/or has population frequency not consistent with disease.